The following is an entry in ClinVar:

NM_032119.4(ADGRV1):c.847G>A (p.Val283Ile)

Gene: ADGRV1 (adhesion G protein-coupled receptor V1; plus strand). Cytogenetic location: 5q14.3.
Variant type: single nucleotide variant.
Coding change: c.847G>A on transcript NM_032119.4 (MANE Select); coding-DNA position 847, G replaced by A.
Protein change: p.Val283Ile; replaces valine 283 with isoleucine.
Molecular consequence: missense variant. On other transcripts: non-coding transcript variant (1).
Genome position (GRCh38, 1-based): chr5:90,627,385, G>A. VCF-style: chr5-90627385-G-A. GRCh37 (hg19) VCF-style: chr5-89923202-G-A.
Other names: short protein forms V283I.
Identifiers: ClinVar variation 2083123 (VCV002083123.1), dbSNP rs1427759662, ClinGen allele CA360366313.

ClinVar aggregate classification (germline): Uncertain significance (1 of 4 stars; one submission).

Allele frequency attached by ClinVar (database versions not stated): gnomAD exomes below 0.00001.
gnomAD v4.1: 2 of 1,613,924 alleles (0.00012%); highest among the groups gnomAD compares: East Asian, 0.0022%; no homozygotes.

Submission:

Labcorp Genetics (formerly Invitae), Labcorp
Classification: Uncertain significance. Last evaluated: 2022-01-15. Review status: criteria provided, single submitter. Criteria: Invitae Variant Classification Sherloc (09022015). Collection method: clinical testing. Allele origin: germline.
Comment: This sequence change replaces valine, which is neutral and non-polar, with isoleucine, which is neutral and non-polar, at codon 283 of the ADGRV1 protein (p.Val283Ile). This variant is not present in population databases (gnomAD no frequency). This variant has not been reported in the literature in individuals affected with ADGRV1-related conditions. Algorithms developed to predict the effect of missense changes on protein structure and function (SIFT, PolyPhen-2, Align-GVGD) all suggest that this variant is likely to be tolerated. In summary, the available evidence is currently insufficient to determine the role of this variant in disease. Therefore, it has been classified as a Variant of Uncertain Significance.